The following is an entry in ClinVar:

ClinVar aggregate classification (germline): Likely benign. Review status: criteria provided, multiple submitters, no conflicts (2 of 4 stars). 3 submissions from 3 submitters: Likely benign (2). 1 of the submissions does not count toward it. Last evaluated 2025-08-22.

Conditions:
CGNL1-related disorder. Also called: CGNL1-related condition.

Allele frequency attached by ClinVar (database versions not stated): ExAC 0.00082; gnomAD 0.00246; TOPMed 0.00266; ESP Exome Variant Server 0.00270; 1000 Genomes Project 0.00379; 1000 Genomes Project 30x 0.00437.
gnomAD v4.1: 856 of 1,605,434 alleles (0.053%); highest among the groups gnomAD compares: African/African-American, 0.77%; 2 homozygotes.

Submissions (3):

Ambry Genetics
Classification: Likely benign. Last evaluated: 2025-08-22. Review status: criteria provided, single submitter. Criteria: Ambry Variant Classification Scheme 2023. Collection method: clinical testing. Allele origin: germline.

CeGaT Center for Human Genetics Tuebingen
Classification: Likely benign. Last evaluated: 2022-07-01. Review status: criteria provided, single submitter. Criteria: CeGaT Center For Human Genetics Tuebingen Variant Classification Criteria Version 2. Collection method: clinical testing. Allele origin: germline. Affected: yes. Observed: 1 variant allele.
Comment: CGNL1: BP4

PreventionGenetics, part of Exact Sciences
Classification: Benign for CGNL1-related condition. Last evaluated: 2019-04-30. Review status: no assertion criteria provided. Collection method: clinical testing. Allele origin: germline. Not counted in ClinVar's aggregate classification.
Comment: This variant is classified as benign based on ACMG/AMP sequence variant interpretation guidelines (Richards et al. 2015 PMID: 25741868, with internal and published modifications).

NM_032866.5(CGNL1):c.1702A>G (p.Thr568Ala)

Gene: CGNL1 (cingulin like 1; plus strand). Cytogenetic location: 15q21.3.
Variant type: single nucleotide variant.
Coding change: c.1702A>G on transcript NM_032866.5 (MANE Select); coding-DNA position 1702, A replaced by G.
Protein change: p.Thr568Ala; replaces threonine 568 with alanine.
Molecular consequence: missense variant.
Genome position (GRCh38, 1-based): chr15:57,442,377, A>G. VCF-style: chr15-57442377-A-G. GRCh37 (hg19) VCF-style: chr15-57734575-A-G.
Other names: c.1702A>G (NM_001252335.1, NM_032866.3); c.1702A>G, p.Thr568Ala (NM_001252335.2); short protein forms T568A.
Identifiers: ClinVar variation 2645377 (VCV002645377.26), dbSNP rs145255148, ClinGen allele CA7581899.